The following is an entry in ClinVar:

NM_002907.4(RECQL):c.1850A>C (p.Glu617Ala)

Genes: PYROXD1 (pyridine nucleotide-disulphide oxidoreductase domain 1; plus strand), RECQL (RecQ like helicase; minus strand). Cytogenetic location: 12p12.1.
Variant type: single nucleotide variant.
Coding change: c.1850A>C on transcript NM_002907.4 (MANE Select); coding-DNA position 1850, A replaced by C.
Protein change: p.Glu617Ala; replaces glutamic acid 617 with alanine.
Molecular consequence: missense variant. On other transcripts: 3 prime UTR variant (3).
Genome position (GRCh38, 1-based): chr12:21,470,294, T>G on the plus strand (A>C on the coding strand, the complement: RECQL is on the minus strand). VCF-style: chr12-21470294-T-G. GRCh37 (hg19) VCF-style: chr12-21623228-T-G.
Other names: c.1850A>C, p.Glu617Ala (NM_032941.3); c.*1540T>G (NM_001350912.2, NM_001350913.2, NM_024854.5); short protein forms E617A.
Identifiers: ClinVar variation 4576942 (VCV004576942.1).

ClinVar aggregate classification (germline): Uncertain significance (1 of 4 stars; one submission).

Submission:

Ambry Genetics
Classification: Uncertain significance. Last evaluated: 2025-10-14. Review status: criteria provided, single submitter. Criteria: Ambry Variant Classification Scheme 2023. Collection method: clinical testing. Allele origin: germline.
Comment: The p.E617A variant (also known as c.1850A>C), located in coding exon 14 of the RECQL gene, results from an A to C substitution at nucleotide position 1850. The glutamic acid at codon 617 is replaced by alanine, an amino acid with dissimilar properties. This amino acid position is conserved. In addition, this alteration is predicted to be tolerated by in silico analysis. Based on the available evidence, the clinical significance of this variant remains unclear.